The following is an entry in ClinVar:

ClinVar aggregate classification (germline): Uncertain significance. Review status: criteria provided, multiple submitters, no conflicts (2 of 4 stars). 2 submissions from 2 submitters: Uncertain significance (2). Last evaluated 2025-11-20.

Conditions:
Myopathy caused by variation in FKRP. Identifiers: MedGen CN305637, MONDO:0700066.
Walker-Warburg congenital muscular dystrophy. Also called: Muscular dystrophy-dystroglycanopathy, type A; Walker-Warburg syndrome. Identifiers: Orphanet 899, MedGen C0265221, MONDO:0000171.

Allele frequency attached by ClinVar (database versions not stated): gnomAD exomes below 0.00001.
gnomAD v4.1: 2 of 1,559,044 alleles (0.00013%); highest among the groups gnomAD compares: East Asian, 0.0024%; no homozygotes.

Submissions (2):

Myriad Genetics, Inc.
Classification: Uncertain significance for Myopathy caused by variation in FKRP. Last evaluated: 2025-11-20. Review status: criteria provided, single submitter. Criteria: Myriad Autosomal Dominant, Autosomal Recessive and X-Linked Classification Criteria (2023). Collection method: clinical testing. Allele origin: unknown.
Comment: NM_024301.4(FKRP):c.293A>G(N98S) is a missense variant classified as a variant of uncertain significance in the context of FKRP-related disorders. N98S has not been observed in cases with relevant disease. Relevant functional assessments of this variant are not available in the literature. N98S has been observed in referenced population frequency databases. In summary, there is insufficient evidence to classify NM_024301.4(FKRP):c.293A>G(N98S) as pathogenic or benign. Please note: this variant was assessed in the context of healthy population screening.

Labcorp Genetics (formerly Invitae), Labcorp
Classification: Uncertain significance for Walker-Warburg congenital muscular dystrophy. Last evaluated: 2024-01-17. Review status: criteria provided, single submitter. Criteria: Invitae Variant Classification Sherloc (09022015). Collection method: clinical testing. Allele origin: germline.
Comment: This sequence change replaces asparagine, which is neutral and polar, with serine, which is neutral and polar, at codon 98 of the FKRP protein (p.Asn98Ser). This variant is present in population databases (no rsID available, gnomAD 0.008%). This variant has not been reported in the literature in individuals affected with FKRP-related conditions. ClinVar contains an entry for this variant (Variation ID: 2157354). Advanced modeling of protein sequence and biophysical properties (such as structural, functional, and spatial information, amino acid conservation, physicochemical variation, residue mobility, and thermodynamic stability) performed at Invitae indicates that this missense variant is not expected to disrupt FKRP protein function with a negative predictive value of 80%. In summary, the available evidence is currently insufficient to determine the role of this variant in disease. Therefore, it has been classified as a Variant of Uncertain Significance.

NM_024301.5(FKRP):c.293A>G (p.Asn98Ser)

Gene: FKRP (fukutin related protein; plus strand). Cytogenetic location: 19q13.32.
Variant type: single nucleotide variant.
Coding change: c.293A>G on transcript NM_024301.5 (MANE Select); coding-DNA position 293, A replaced by G.
Protein change: p.Asn98Ser; replaces asparagine 98 with serine.
Molecular consequence: missense variant.
Genome position (GRCh38, 1-based): chr19:46,755,743, A>G. VCF-style: chr19-46755743-A-G. GRCh37 (hg19) VCF-style: chr19-47259000-A-G.
Other names: c.293A>G, p.Asn98Ser (NM_001039885.3); short protein forms N98S.
Identifiers: ClinVar variation 2157354 (VCV002157354.5), dbSNP rs1451492034, ClinGen allele CA406495046.